The following is an entry in ClinVar:

NM_172107.4(KCNQ2):c.1222G>C (p.Asp408His)

Gene: KCNQ2 (potassium voltage-gated channel subfamily Q member 2; minus strand). Cytogenetic location: 20q13.33.
Variant type: single nucleotide variant.
Coding change: c.1222G>C on transcript NM_172107.4 (MANE Select); coding-DNA position 1222, G replaced by C.
Protein change: p.Asp408His; replaces aspartic acid 408 with histidine.
Molecular consequence: missense variant.
Genome position (GRCh38, 1-based): chr20:63,424,202, C>G on the plus strand (G>C on the coding strand, the complement: KCNQ2 is on the minus strand). VCF-style: chr20-63424202-C-G. GRCh37 (hg19) VCF-style: chr20-62055555-C-G.
Other names: c.1222G>C, p.Asp408His (NM_001382235.1, NM_172106.3, NM_172108.5); c.1192G>C, p.Asp398His (NM_004518.6); short protein forms D398H, D408H.
Identifiers: ClinVar variation 951470 (VCV000951470.10), dbSNP rs2080560881, ClinGen allele CA409649225.

ClinVar aggregate classification (germline): Uncertain significance (1 of 4 stars; one submission).

Conditions:
Early-infantile DEE. Also called: Early infantile epileptic encephalopathy; Ohtahara syndrome; Early infantile epileptic encephalopathy with suppression bursts. Identifiers: Orphanet 1934, MedGen C0393706, MONDO:0800491.

Allele frequency attached by ClinVar (database versions not stated): TOPMed below 0.00001.

Submission:

Labcorp Genetics (formerly Invitae), Labcorp
Classification: Uncertain significance for Early-infantile DEE. Last evaluated: 2022-09-07. Review status: criteria provided, single submitter. Criteria: Invitae Variant Classification Sherloc (09022015). Collection method: clinical testing. Allele origin: germline.
Comment: This variant is not present in population databases (gnomAD no frequency). In summary, the available evidence is currently insufficient to determine the role of this variant in disease. Therefore, it has been classified as a Variant of Uncertain Significance. Algorithms developed to predict the effect of missense changes on protein structure and function are either unavailable or do not agree on the potential impact of this missense change (SIFT: "Deleterious"; PolyPhen-2: "Benign"; Align-GVGD: "Class C0"). ClinVar contains an entry for this variant (Variation ID: 951470). This variant has not been reported in the literature in individuals affected with KCNQ2-related conditions. This sequence change replaces aspartic acid, which is acidic and polar, with histidine, which is basic and polar, at codon 408 of the KCNQ2 protein (p.Asp408His).